The following is an entry in ClinVar:

ClinVar aggregate classification (germline): Pathogenic (1 of 4 stars; one submission).

Conditions:
Familial adenomatous polyposis 1 (FAP1). Also called: FAMILIAL ADENOMATOUS POLYPOSIS 1, ATTENUATED; POLYPOSIS, ADENOMATOUS INTESTINAL. Identifiers: MedGen C2713442, MONDO:0021056, OMIM 175100. Disease mechanism: loss of function.

Submission:

Labcorp Genetics (formerly Invitae), Labcorp
Classification: Pathogenic for Familial adenomatous polyposis 1. Last evaluated: 2023-07-07. Review status: criteria provided, single submitter. Criteria: Invitae Variant Classification Sherloc (09022015). Collection method: clinical testing. Allele origin: germline.
Comment: This variant has not been reported in the literature in individuals affected with APC-related conditions. For these reasons, this variant has been classified as Pathogenic. A different truncation (p.Tyr2645Lysfs*14) that lies downstream of this variant has been determined to be pathogenic (PMID: 9824584, 1316610, 27081525, 8381579, 22135120, Invitae). This suggests that deletion of this region of the APC protein is causative of disease. This variant is expected to disrupt the EB1 and HDLG binding sites, which mediate interactions with the cytoskeleton (PMID: 15311282, 17293347). While functional studies have not been performed to directly test the effect on APC protein function, this suggests that disruption of the C-terminal portion of the protein is functionally important. ClinVar contains an entry for this variant (Variation ID: 537468). This variant is not present in population databases (gnomAD no frequency). This sequence change creates a premature translational stop signal (p.Arg1687*) in the APC gene. While this is not anticipated to result in nonsense mediated decay, it is expected to disrupt the last 1157 amino acid(s) of the APC protein.

Literature cited by the submitters: PubMed 9824584; PubMed 1316610; PubMed 27081525; PubMed 8381579; PubMed 22135120; PubMed 15311282; PubMed 17293347.

NM_000038.6(APC):c.5059C>T (p.Arg1687Ter)

Gene: APC (APC regulator of Wnt signaling pathway; plus strand). Cytogenetic location: 5q22.2.
Variant type: single nucleotide variant.
Coding change: c.5059C>T on transcript NM_000038.6 (MANE Select); coding-DNA position 5059, C replaced by T.
Protein change: p.Arg1687Ter; replaces arginine 1687 with a stop codon.
Molecular consequence: nonsense.
Genome position (GRCh38, 1-based): chr5:112,840,653, C>T. VCF-style: chr5-112840653-C-T. GRCh37 (hg19) VCF-style: chr5-112176350-C-T.
Other names: c.5059C>T, p.Arg1687Ter (NM_001127510.3, NM_001354895.2); c.5005C>T, p.Arg1669Ter (NM_001127511.3); c.5113C>T, p.Arg1705Ter (NM_001354896.2); c.5089C>T, p.Arg1697Ter (NM_001354897.2); c.4984C>T, p.Arg1662Ter (NM_001354898.2); c.4975C>T, p.Arg1659Ter (NM_001354899.2); c.4936C>T, p.Arg1646Ter (NM_001354900.2); c.4882C>T, p.Arg1628Ter (NM_001354901.2); and 5 more; short protein forms R1669*, R1687*, R1646*, R1705*, R1404*, R1659*, R1697*, R1561*.
Identifiers: ClinVar variation 537468 (VCV000537468.10), dbSNP rs1554086415, ClinGen allele CA16032398.